The following is an entry in ClinVar:

NM_000179.3(MSH6):c.3439-57_3439-56del

Gene: MSH6 (mutS homolog 6; plus strand). Cytogenetic location: 2p16.3.
Variant type: Deletion.
Coding change: c.3439-57_3439-56del on transcript NM_000179.3 (MANE Select); 57 bases into the intron before coding-DNA position 3439 through 56 bases into the intron before coding-DNA position 3439, 2 bases deleted (AA; older notation c.3439-57_3439-56delAA).
Molecular consequence: intron variant.
Genome position (GRCh38, 1-based): chr2:47,804,853-47,804,854, AA deleted; deleting any 2 consecutive bases within chr2:47,804,851-47,804,854 gives the same sequence; the c. name uses the placement nearest the transcript's 3' end. VCF-style (leftmost placement, unchanged base first): chr2-47804850-CAA-C. GRCh37 (hg19) VCF-style: chr2-48031989-CAA-C.
Other names: c.2533-57_2533-56del (NM_001281493.2, NM_001281494.2); c.3049-57_3049-56del (NM_001281492.2).
Identifiers: ClinVar variation 1208205 (VCV001208205.11), dbSNP rs751304693, ClinGen allele CA46716926.

ClinVar aggregate classification (germline): Likely benign. Review status: criteria provided, multiple submitters, no conflicts (2 of 4 stars). 2 submissions from 2 submitters: Likely benign (2). Last evaluated 2024-08-26.

Conditions:
Hereditary nonpolyposis colorectal neoplasms. Identifiers: MedGen C0009405, MeSH D003123.

Submissions (2):

Labcorp Genetics (formerly Invitae), Labcorp
Classification: Likely benign for Hereditary nonpolyposis colorectal neoplasms. Last evaluated: 2024-08-26. Review status: criteria provided, single submitter. Criteria: Invitae Variant Classification Sherloc (09022015). Collection method: clinical testing. Allele origin: germline.

GeneDx
Classification: Likely benign. Last evaluated: 2019-05-18. Review status: criteria provided, single submitter. Criteria: GeneDx Variant Classification Process June 2021. Collection method: clinical testing. Allele origin: germline. Affected: yes.
Comment: This variant is associated with the following publications: (PMID: 16010685)